The following is an entry in ClinVar:

NM_001162383.2(ARHGEF2):c.581-10T>A

Gene: ARHGEF2 (Rho/Rac guanine nucleotide exchange factor 2; minus strand). Cytogenetic location: 1q22.
Variant type: single nucleotide variant.
Coding change: c.581-10T>A on transcript NM_001162383.2 (MANE Select); 10 bases into the intron before coding-DNA position 581, T replaced by A.
Molecular consequence: intron variant.
Genome position (GRCh38, 1-based): chr1:155,965,141, A>T on the plus strand (T>A on the coding strand, the complement: ARHGEF2 is on the minus strand). VCF-style: chr1-155965141-A-T. GRCh37 (hg19) VCF-style: chr1-155934932-A-T.
Other names: NC_000001.10:g.155934932A>T; c.530-13T>A (NM_001350112.2); c.500-10T>A (NM_001350110.2, NM_001350111.2); c.581-13T>A (NM_001162384.2); c.500-13T>A (NM_004723.4).
Identifiers: ClinVar variation 789945 (VCV000789945.7), dbSNP rs138026315, ClinGen allele CA1153470.
Genomic context (GRCh38, chr1:155,965,141, plus strand): 5'-CCTTCTCATCCATCTCAAAGTCACTCATCAGCTCACTGTAGATTACCTCTGCTGGACATT[A>T]GCAGGGCAAGCAACTCAGAGGTCTTGAGTTCCCTTCCCTGGGTCCCTGGCCCTTCTCTAG-3'

ClinVar aggregate classification (germline): Benign. Review status: criteria provided, single submitter (1 of 4 stars). 2 submissions from 2 submitters: Benign (1). 1 of the submissions does not count toward it. Last evaluated 2019-12-31.

Conditions:
ARHGEF2-related disorder. Also called: ARHGEF2-related condition.

Allele frequency attached by ClinVar (database versions not stated): 1000 Genomes Project 0.00339; 1000 Genomes Project 30x 0.00344; TOPMed 0.00653.
gnomAD v4.1: 1,688 of 1,613,830 alleles (0.1%); highest among the groups gnomAD compares: African/African-American, 2%; 16 homozygotes.

Submissions (5):

Labcorp Genetics (formerly Invitae), Labcorp
Classification: Benign. Last evaluated: 2019-12-31. Review status: criteria provided, single submitter. Criteria: Invitae Variant Classification Sherloc (09022015). Collection method: clinical testing. Allele origin: germline.

PreventionGenetics, part of Exact Sciences
Classification: Benign for ARHGEF2-related condition. Last evaluated: 2019-03-26. Review status: no assertion criteria provided. Collection method: clinical testing. Allele origin: germline. Not counted in ClinVar's aggregate classification.
Comment: This variant is classified as benign based on ACMG/AMP sequence variant interpretation guidelines (Richards et al. 2015 PMID: 25741868, with internal and published modifications).

Dr. Peter K. Rogan Lab, Western University
No classification provided (evidence only). Condition: Lung cancer. Review status: no classification provided. Collection method: in vitro. Allele origin: not applicable. Functional consequence: retained intron. Not counted in ClinVar's aggregate classification.

Dr. Peter K. Rogan Lab, Western University
No classification provided (evidence only). Condition: Acute myeloid leukemia. Review status: no classification provided. Collection method: in vitro. Allele origin: not applicable. Functional consequence: retained intron. Not counted in ClinVar's aggregate classification.

Dr. Peter K. Rogan Lab, Western University
No classification provided (evidence only). Condition: Uterine corpus endometrial carcinoma. Review status: no classification provided. Collection method: in vitro. Allele origin: not applicable. Functional consequence: retained intron. Not counted in ClinVar's aggregate classification.